The following is an entry in ClinVar:

ClinVar aggregate classification (germline): Uncertain significance (1 of 4 stars; one submission).

Conditions:
Rhabdoid tumor predisposition syndrome 2 (RTPS2). Identifiers: Orphanet 231108, Orphanet 69077, MedGen C2750074, MONDO:0013224, OMIM 613325.

Submission:

Labcorp Genetics (formerly Invitae), Labcorp
Classification: Uncertain significance for Rhabdoid tumor predisposition syndrome 2. Last evaluated: 2024-08-07. Review status: criteria provided, single submitter. Criteria: Invitae Variant Classification Sherloc (09022015). Collection method: clinical testing. Allele origin: germline.
Comment: This sequence change replaces proline, which is neutral and non-polar, with serine, which is neutral and polar, at codon 149 of the SMARCA4 protein (p.Pro149Ser). This variant is not present in population databases (gnomAD no frequency). This variant has not been reported in the literature in individuals affected with SMARCA4-related conditions. Advanced modeling of protein sequence and biophysical properties (such as structural, functional, and spatial information, amino acid conservation, physicochemical variation, residue mobility, and thermodynamic stability) has been performed at Invitae for this missense variant, however the output from this modeling did not meet the statistical confidence thresholds required to predict the impact of this variant on SMARCA4 protein function. In summary, the available evidence is currently insufficient to determine the role of this variant in disease. Therefore, it has been classified as a Variant of Uncertain Significance.

NM_003072.5(SMARCA4):c.445C>T (p.Pro149Ser)

Gene: SMARCA4 (SWI/SNF related BAF chromatin remodeling complex subunit ATPase 4; plus strand). Cytogenetic location: 19p13.2.
Variant type: single nucleotide variant.
Coding change: c.445C>T on transcript NM_003072.5 (MANE Select); coding-DNA position 445, C replaced by T.
Protein change: p.Pro149Ser; replaces proline 149 with serine.
Molecular consequence: missense variant. On other transcripts: non-coding transcript variant (1).
Genome position (GRCh38, 1-based): chr19:10,986,278, C>T. VCF-style: chr19-10986278-C-T. GRCh37 (hg19) VCF-style: chr19-11096954-C-T.
Other names: c.445C>T, p.Pro149Ser (NM_001128844.3, NM_001128845.2, NM_001128846.2 and 6 more transcripts); short protein forms P149S.
Identifiers: ClinVar variation 3691029 (VCV003691029.2).